The following is an entry in ClinVar:

ClinVar aggregate classification (germline): Likely benign (1 of 4 stars; one submission).

Allele frequency attached by ClinVar (database versions not stated): gnomAD exomes 0.00001 and 0.00003; ExAC 0.00005.
gnomAD v4.1: 13 of 1,614,184 alleles (0.00081%); highest among the groups gnomAD compares: South Asian, 0.011%; no homozygotes.

Submission:

GeneDx
Classification: Likely benign. Last evaluated: 2018-04-27. Review status: criteria provided, single submitter. Criteria: GeneDx Variant Classification (06012015). Collection method: clinical testing. Allele origin: germline. Affected: yes.
Comment: This variant is considered likely benign or benign based on one or more of the following criteria: it is a conservative change, it occurs at a poorly conserved position in the protein, it is predicted to be benign by multiple in silico algorithms, and/or has population frequency not consistent with disease.

NM_000400.4(ERCC2):c.2046+3G>A

Gene: ERCC2 (ERCC excision repair 2, TFIIH core complex helicase subunit; minus strand). Cytogenetic location: 19q13.32.
Variant type: single nucleotide variant.
Coding change: c.2046+3G>A on transcript NM_000400.4 (MANE Select); 3 bases into the intron after coding-DNA position 2046, G replaced by A.
Molecular consequence: intron variant.
Genome position (GRCh38, 1-based): chr19:45,352,503, C>T on the plus strand (G>A on the coding strand, the complement: ERCC2 is on the minus strand). VCF-style: chr19-45352503-C-T. GRCh37 (hg19) VCF-style: chr19-45855761-C-T.
Identifiers: ClinVar variation 682343 (VCV000682343.1), dbSNP rs770490636, ClinGen allele CA9512929.